The following is an entry in ClinVar:

NM_003052.5(SLC34A1):c.587C>A (p.Ser196Tyr)

Gene: SLC34A1 (solute carrier family 34 member 1; plus strand). Cytogenetic location: 5q35.3.
Variant type: single nucleotide variant.
Coding change: c.587C>A on transcript NM_003052.5 (MANE Select); coding-DNA position 587, C replaced by A.
Protein change: p.Ser196Tyr; replaces serine 196 with tyrosine.
Molecular consequence: missense variant.
Genome position (GRCh38, 1-based): chr5:177,387,816, C>A. VCF-style: chr5-177387816-C-A. GRCh37 (hg19) VCF-style: chr5-176814817-C-A.
Other names: c.587C>A, p.Ser196Tyr (NM_001167579.2); short protein forms S196Y.
Identifiers: ClinVar variation 3774591 (VCV003774591.1).
Genomic context (GRCh38, chr5:177,387,816, plus strand): 5'-TACCAGTGCTGGAGGTGAGCTCTGCCATCCCCATCATCATGGGCTCCAACATCGGCACCT[C>A]TGTCACCAACACCATCGTGGCCCTGATGCAGGCGGGGGACAGGACTGACTTCCGGCGGTG-3'
Protein context (NP_003043.3, residues 186-206): PIIMGSNIGT[Ser196Tyr]VTNTIVALMQ

ClinVar aggregate classification (germline): Uncertain significance (1 of 4 stars; one submission).

Conditions:
Hypophosphatemic nephrolithiasis/osteoporosis 1. Identifiers: Orphanet 244305, MedGen C2676786, MONDO:0012850, OMIM 612286.

Submission:

MVZ Medizinische Genetik Mainz
Classification: Uncertain significance for Hypophosphatemic nephrolithiasis/osteoporosis 1. Last evaluated: 2025-02-10. Review status: criteria provided, single submitter. Criteria: UK Practice Guidelines For Variant Classification V4 01 2020. Collection method: clinical testing. Allele origin: germline. Inheritance: Autosomal dominant inheritance. Affected: yes. Observed: 1 variant allele.
Comment: ACMG Criteria: PP3_STR,PM2_SUP